The following is an entry in ClinVar:

NM_014458.4(KLHL20):c.257del (p.Leu86fs)

Gene: KLHL20 (kelch like family member 20; plus strand). Cytogenetic location: 1q25.1.
Variant type: Deletion.
Coding change: c.257del on transcript NM_014458.4 (MANE Select); coding-DNA position 257, one base deleted (T; older notation c.257delT).
Protein change: p.Leu86fs; shifts the reading frame from leucine 86.
Molecular consequence: frameshift variant.
Genome position (GRCh38, 1-based): chr1:173,733,946, T deleted; the last of 4 consecutive T bases (chr1:173,733,943-173,733,946); deleting any one gives the same sequence. VCF-style (leftmost placement, unchanged base first): chr1-173733942-AT-A. GRCh37 (hg19) VCF-style: chr1-173703081-AT-A.
Other names: short protein forms L86fs.
Identifiers: ClinVar variation 161677 (VCV000161677.2), dbSNP rs193920902, ClinGen allele CA174581.

ClinVar aggregate classification (germline): Uncertain significance (0 of 4 stars; one submission).

Conditions:
Prostate cancer. Also called: Malignant tumor of prostate. Identifiers: Orphanet 1331, MedGen C0376358, MONDO:0008315, HP:0012125.

Submission:

Science for Life laboratory,  Karolinska Institutet
Classification: Uncertain significance for Malignant tumor of prostate. Review status: no assertion criteria provided. Collection method: not provided. Allele origin: somatic.
Comment: TumorID:SWE-18
ClinVar note: Converted during submission from Unknown to Uncertain significance.